The following is an entry in ClinVar:

NM_007272.3(CTRC):c.674A>C (p.Glu225Ala)

Gene: CTRC (chymotrypsin C; plus strand). Cytogenetic location: 1p36.21.
Variant type: single nucleotide variant.
Coding change: c.674A>C on transcript NM_007272.3 (MANE Select); coding-DNA position 674, A replaced by C.
Protein change: p.Glu225Ala; replaces glutamic acid 225 with alanine.
Molecular consequence: missense variant.
Genome position (GRCh38, 1-based): chr1:15,445,631, A>C. VCF-style: chr1-15445631-A-C. GRCh37 (hg19) VCF-style: chr1-15772126-A-C.
Other names: short protein forms E225A.
Identifiers: ClinVar variation 240766 (VCV000240766.29), dbSNP rs201486613, ClinGen allele CA613439.

ClinVar aggregate classification (germline): Conflicting classifications of pathogenicity. Review status: criteria provided, conflicting classifications (1 of 4 stars). 6 submissions from 6 submitters: Uncertain significance (3); Benign (1); Likely benign (2). Last evaluated 2025-12-22.

Conditions:
Hereditary pancreatitis (PCTT). Also called: Hereditary chronic pancreatitis; PRSS1-Related Hereditary Pancreatitis. Identifiers: Orphanet 676, MedGen C0238339, MONDO:0008185, OMIM 167800.

Allele frequency attached by ClinVar (database versions not stated): gnomAD 0.00020 and 0.00021; ESP Exome Variant Server 0.00023; gnomAD exomes 0.00025 and 0.00044; TOPMed 0.00026; ExAC 0.00045.
gnomAD v4.1: 411 of 1,614,184 alleles (0.025%); highest among the groups gnomAD compares: Middle Eastern, 0.066%; 1 homozygote.

Submissions (6):

Labcorp Genetics (formerly Invitae), Labcorp
Classification: Benign for Hereditary pancreatitis. Last evaluated: 2025-12-22. Review status: criteria provided, single submitter. Criteria: Invitae Variant Classification Sherloc (09022015). Collection method: clinical testing. Allele origin: germline.

Ambry Genetics
Classification: Uncertain significance for Hereditary pancreatitis. Last evaluated: 2025-10-25. Review status: criteria provided, single submitter. Criteria: Ambry Variant Classification Scheme 2023. Collection method: clinical testing. Allele origin: germline.
Comment: The p.E225A variant (also known as c.674A>C), located in coding exon 7 of the CTRC gene, results from an A to C substitution at nucleotide position 674. The glutamic acid at codon 225 is replaced by alanine, an amino acid with dissimilar properties. This variant has been identified in individuals with pancreatitis and healthy controls (Rosendahl J et al. Nat. Genet., 2008 Jan;40:78-82; Koziel D et al. BMC Gastroenterol, 2015 Jun;15:70; Sofia VM et al. Mol. Med., 2016 Sep;22:300-309; Beer S et al. Gut, 2013 Nov;62:1616-24; Cordero-V&aacute;zquez E et al. Endocrinol Diabetes Nutr (Engl Ed), 2022 Feb;69:155-156). This amino acid position is not well conserved in available vertebrate species. In addition, this alteration is predicted to be tolerated by in silico analysis. Since supporting evidence is limited at this time, the clinical significance of this alteration remains unclear.

Sema4
Classification: Likely benign for Hereditary pancreatitis. Last evaluated: 2021-05-10. Review status: criteria provided, single submitter. Criteria: Sema4 Curation Guidelines. Collection method: curation. Allele origin: germline.

ARUP Laboratories, Molecular Genetics and Genomics, ARUP Laboratories
Classification: Uncertain significance for Hereditary pancreatitis. Last evaluated: 2020-08-14. Review status: criteria provided, single submitter. Criteria: ARUP Molecular Germline Variant Investigation Process. Collection method: clinical testing. Allele origin: germline.
Comment: The CTRC c.674A>C; p.Glu225Ala variant (rs201486613) is described in the medical literature in individuals with pancreatitis (Beer 2013, Koziel 2015), but also described in unaffected individuals (Koziel 2015, Rosendahl 2008, Zhou 2011). This variant is reported in ClinVar (Variation ID: 240766). It is found in the general population with an overall allele frequency of 0.04% (115/282830 alleles, including 1 homozygote) in the Genome Aggregation Database. The glutamic acid at codon 225 is weakly conserved, and computational analyses (SIFT, PolyPhen-2) predict that this variant is tolerated. Additionally, experiments in cell culture show this variant does not affect protein stability or activity (Beer 2013). Considering available information, there is insufficient evidence to classify this variant with certainty. References: Beer S et al. Comprehensive functional analysis of chymotrypsin C (CTRC) variants reveals distinct loss-of-function mechanisms associated with pancreatitis risk. Gut. 2013 Nov;62(11):1616-24. Koziel D et al. Genetic mutations in SPINK1, CFTR, CTRC genes in acute pancreatitis. BMC Gastroenterol. 2015 Jun 23;15:70. Rosendahl J et al. Chymotrypsin C (CTRC) variants that diminish activity or secretion are associated with chronic pancreatitis. Nat Genet. 2008 Jan;40(1):78-82. Zhou J et al. Chymotrypsin C mutations in chronic pancreatitis. J Gastroenterol Hepatol. 2011 Aug;26(8):1238-46.

GeneDx
Classification: Likely benign. Last evaluated: 2018-06-28. Review status: criteria provided, single submitter. Criteria: GeneDx Variant Classification Process June 2021. Collection method: clinical testing. Allele origin: germline. Affected: yes.
Comment: See Variant Classification Assertion Criteria.

Illumina Laboratory Services, Illumina
Classification: Uncertain significance for Hereditary pancreatitis. Last evaluated: 2017-04-27. Review status: criteria provided, single submitter. Criteria: ICSL Variant Classification Criteria 13 December 2019. Collection method: clinical testing. Allele origin: germline.
Comment: This variant was observed as part of a predisposition screen in an ostensibly healthy population. A literature search was performed for the gene, cDNA change, and amino acid change (where applicable). Publications were found based on this search. However, the evidence from the literature, in combination with allele frequency data from public databases where available, was not sufficient to rule this variant in or out of causing disease. Therefore, this variant is classified as a variant of unknown significance.

Literature cited by the submitters: PubMed 18059268 (cited by Ambry Genetics and Illumina Laboratory Services, Illumina); PubMed 22942235 (cited by 3 submitters); PubMed 26100556 (cited by Ambry Genetics); PubMed 27264265 (cited by Ambry Genetics); PubMed 35256061 (cited by Ambry Genetics); PubMed 5256061 (cited by Ambry Genetics); PubMed 21631589 (cited by Illumina Laboratory Services, Illumina).